The following is an entry in ClinVar:

ClinVar aggregate classification (germline): Benign/Likely benign. Review status: criteria provided, multiple submitters, no conflicts (2 of 4 stars). 3 submissions from 3 submitters: Benign (1); Likely benign (2). Last evaluated 2026-06-17.

Conditions:
Hereditary cancer-predisposing syndrome. Also called: Neoplastic Syndromes, Hereditary; Hereditary Cancer Syndrome; Hereditary neoplastic syndrome; Tumor predisposition. Identifiers: Orphanet 140162, MedGen C0027672, MeSH D009386, MONDO:0015356.
Polyps, multiple and recurrent inflammatory fibroid, gastrointestinal. Identifiers: MedGen C5193005, MONDO:0008285, OMIM 175510.
Gastrointestinal stromal tumor. Also called: Gastrointestinal stromal tumor, somatic; Gastrointestinal stroma tumor. Identifiers: Orphanet 44890, MedGen C0238198, MeSH D046152, MONDO:0011719, OMIM 606764, HP:0100723.

Allele frequency attached by ClinVar (database versions not stated): gnomAD exomes below 0.00001; TOPMed below 0.00001; gnomAD 0.00001.
gnomAD v4.1: 2 of 1,614,026 alleles (0.00012%); highest among the groups gnomAD compares: Non-Finnish European, 0.00017%; no homozygotes.

Submissions (3):

Myriad Genetics, Inc.
Classification: Benign for Polyps, multiple and recurrent inflammatory fibroid, gastrointestinal. Last evaluated: 2026-06-17. Review status: criteria provided, single submitter. Criteria: Myriad Autosomal Dominant, Autosomal Recessive and X-Linked Classification Criteria (2023). Collection method: clinical testing. Allele origin: unknown.
Comment: This variant is considered benign. This variant is a silent/synonymous amino acid change and it is not expected to impact splicing.

Labcorp Genetics (formerly Invitae), Labcorp
Classification: Likely benign for Gastrointestinal stromal tumor. Last evaluated: 2025-11-01. Review status: criteria provided, single submitter. Criteria: Invitae Variant Classification Sherloc (09022015). Collection method: clinical testing. Allele origin: germline.

Ambry Genetics
Classification: Likely benign for Hereditary cancer-predisposing syndrome. Last evaluated: 2021-10-09. Review status: criteria provided, single submitter. Criteria: Ambry Variant Classification Scheme 2023. Collection method: clinical testing. Allele origin: germline.

NM_006206.6(PDGFRA):c.1455G>A (p.Glu485=)

Gene: PDGFRA (platelet derived growth factor receptor alpha; plus strand). Cytogenetic location: 4q12.
Variant type: single nucleotide variant.
Coding change: c.1455G>A on transcript NM_006206.6 (MANE Select); coding-DNA position 1455, G replaced by A.
Protein change: p.Glu485=; no amino-acid change (glutamic acid 485 retained).
Molecular consequence: synonymous variant.
Genome position (GRCh38, 1-based): chr4:54,273,627, G>A. VCF-style: chr4-54273627-G-A. GRCh37 (hg19) VCF-style: chr4-55139794-G-A.
Other names: c.1455G>A, p.Glu485= (NM_001347827.2, NM_001347829.2); c.1530G>A, p.Glu510= (NM_001347828.2); c.1494G>A, p.Glu498= (NM_001347830.2).
Identifiers: ClinVar variation 757085 (VCV000757085.14), dbSNP rs750572749, ClinGen allele CA96858812.